The following is an entry in ClinVar:

ClinVar aggregate classification (germline): Benign/Likely benign. Review status: criteria provided, multiple submitters, no conflicts (2 of 4 stars). 12 submissions from 12 submitters: Benign (2); Likely benign (10). Last evaluated 2026-05-04.

Conditions:
Birt-Hogg-Dube syndrome 1 (BHD1). Also called: FIBROFOLLICULOMAS WITH TRICHODISCOMAS AND ACROCHORDONS. Identifiers: Orphanet 122, MedGen CN375946, MONDO:0800445, OMIM 135150.
17p11.2 microduplication syndrome (PTLS). Also called: CHROMOSOME 17p11.2 DUPLICATION SYNDROME; Potocki-Lupski syndrome; Duplication 17p11.2 syndrome; Potocki-Lupski syndrome (dup(17)(p11.2p11.2)). Identifiers: Orphanet 1713, MedGen C2931246, MONDO:0012574, OMIM 610883.
Nonpapillary renal cell carcinoma. Identifiers: Orphanet 422526, MedGen CN074294, MONDO:0007763, OMIM 144700.
Birt-Hogg-Dube syndrome. Also called: Birt Hogg Dubé syndrome. Identifiers: Orphanet 122, MedGen C0346010, MONDO:0800444.
Colorectal cancer. Also called: Malignant Colorectal Neoplasm; Colorectal cancer, somatic. Identifiers: MedGen C0346629, MONDO:0005575, OMIM 114500.
Familial spontaneous pneumothorax (PSP). Identifiers: Orphanet 2903, MedGen C1868193, MONDO:0008259, OMIM 173600.
FLCN-related disorder. Also called: FLCN-related condition.
Hereditary cancer-predisposing syndrome. Also called: Tumor predisposition; Neoplastic Syndromes, Hereditary; Hereditary Cancer Syndrome; Hereditary neoplastic syndrome. Identifiers: Orphanet 140162, MedGen C0027672, MeSH D009386, MONDO:0015356.

Allele frequency attached by ClinVar (database versions not stated): gnomAD 0.00005 and 0.00007; 1000 Genomes Project 30x 0.00047; gnomAD exomes 0.00006 and 0.00010; ExAC 0.00010; TOPMed 0.00011; 1000 Genomes Project 0.00040.
gnomAD v4.1: 108 of 1,614,206 alleles (0.0067%); highest among the groups gnomAD compares: Middle Eastern, 0.082%; 1 homozygote.

Submissions (12):

PreventionGenetics, part of Exact Sciences
Classification: Likely benign for FLCN-related condition. Last evaluated: 2026-05-04. Review status: criteria provided, single submitter. Criteria: ACMG Guidelines, 2015. Collection method: clinical testing. Allele origin: germline.
Comment: This variant is classified as likely benign based on ACMG/AMP sequence variant interpretation guidelines (Richards et al. 2015 PMID: 25741868, with internal and published modifications).

CeGaT Center for Human Genetics Tuebingen
Classification: Likely benign. Last evaluated: 2026-05-01. Review status: criteria provided, single submitter. Criteria: CeGaT Center For Human Genetics Tuebingen Variant Classification Criteria Version 2. Collection method: clinical testing. Allele origin: germline. Affected: yes. Observed: 2 variant alleles.
Comment: FLCN: BP4, BP7

Labcorp Genetics (formerly Invitae), Labcorp
Classification: Benign for Birt-Hogg-Dube syndrome. Last evaluated: 2025-12-22. Review status: criteria provided, single submitter. Criteria: Invitae Variant Classification Sherloc (09022015). Collection method: clinical testing. Allele origin: germline.

Center for Genomic Medicine, Rigshospitalet, Copenhagen University Hospital
Classification: Likely benign. Last evaluated: 2025-03-04. Review status: criteria provided, single submitter. Criteria: ACMG Guidelines, 2015. Collection method: clinical testing. Allele origin: germline.

Blueprint Genetics
Classification: Likely benign. Last evaluated: 2024-11-07. Review status: criteria provided, single submitter. Criteria: ACMG Guidelines, 2015. Collection method: clinical testing. Allele origin: germline.

Myriad Genetics, Inc.
Classification: Benign for Birt-Hogg-Dube syndrome 1. Last evaluated: 2024-10-28. Review status: criteria provided, single submitter. Criteria: Myriad Autosomal Dominant, Autosomal Recessive and X-Linked Classification Criteria (2023). Collection method: clinical testing. Allele origin: unknown.
Comment: This variant is considered benign. This variant is a silent/synonymous amino acid change and it is not expected to impact splicing.

KCCC/NGS Laboratory, Kuwait Cancer Control Center
Classification: Likely benign for Birt-Hogg-Dube syndrome 1. Last evaluated: 2023-07-07. Review status: criteria provided, single submitter. Criteria: ACMG Guidelines, 2015. Collection method: clinical testing. Allele origin: germline. Affected: yes.

Quest Diagnostics Nichols Institute San Juan Capistrano
Classification: Likely benign. Last evaluated: 2022-10-21. Review status: criteria provided, single submitter. Criteria: Quest Diagnostics criteria. Collection method: clinical testing. Allele origin: unknown.

Sema4
Classification: Likely benign for Hereditary cancer-predisposing syndrome. Last evaluated: 2021-12-05. Review status: criteria provided, single submitter. Criteria: Sema4 Curation Guidelines. Collection method: curation. Allele origin: germline.

GeneDx
Classification: Likely benign. Last evaluated: 2021-09-20. Review status: criteria provided, single submitter. Criteria: GeneDx Variant Classification Process June 2021. Collection method: clinical testing. Allele origin: germline. Affected: yes.

Fulgent Genetics
Classification: Likely benign for Colorectal cancer; Birt-Hogg-Dube syndrome 1; Nonpapillary renal cell carcinoma; Familial spontaneous pneumothorax; 17p11.2 microduplication syndrome. Last evaluated: 2021-08-12. Review status: criteria provided, single submitter. Criteria: ACMG Guidelines, 2015. Collection method: clinical testing. Allele origin: unknown.

Ambry Genetics
Classification: Likely benign for Hereditary cancer-predisposing syndrome. Last evaluated: 2015-07-21. Review status: criteria provided, single submitter. Criteria: Ambry Variant Classification Scheme 2023. Collection method: clinical testing. Allele origin: germline.

NM_144997.7(FLCN):c.1692C>T (p.His564=)

Gene: FLCN (folliculin; minus strand). Cytogenetic location: 17p11.2.
Variant type: single nucleotide variant.
Coding change: c.1692C>T on transcript NM_144997.7 (MANE Select); coding-DNA position 1692, C replaced by T.
Protein change: p.His564=; no amino-acid change (histidine 564 retained).
Molecular consequence: synonymous variant.
Genome position (GRCh38, 1-based): chr17:17,213,703, G>A on the plus strand (C>T on the coding strand, the complement: FLCN is on the minus strand). VCF-style: chr17-17213703-G-A. GRCh37 (hg19) VCF-style: chr17-17117017-G-A.
Other names: c.1692C>T (LRG_325t1, NM_144997.6); c.1746C>T, p.His582= (NM_001353229.2); c.1692C>T, p.His564= (NM_001353230.2, NM_001353231.2).
Identifiers: ClinVar variation 184907 (VCV000184907.35), dbSNP rs201810397, ClinGen allele CA190442.
Genomic context (GRCh38, chr17:17,213,703, plus strand): 5'-GTGTGTGACGGGTCAGTTCCGAGACTCCGAGGCTGTGGGGCTGCGGACCGTGGACATGAG[G>A]TGTGACTTGTAGGTCTTGCTCAGGCCAGTCATCCAGAACTTCAGCAGCTTGACATTGTCC-3'
Protein context (NP_659434.2, residues 554-574): MTGLSKTYKS[His564=]LMSTVRSPTA